The following is an entry in ClinVar:

NM_004448.4(ERBB2):c.3029A>G (p.Glu1010Gly)

Gene: ERBB2 (erb-b2 receptor tyrosine kinase 2; plus strand). Cytogenetic location: 17q12.
Variant type: single nucleotide variant.
Coding change: c.3029A>G on transcript NM_004448.4 (MANE Select); coding-DNA position 3029, A replaced by G.
Protein change: p.Glu1010Gly; replaces glutamic acid 1010 with glycine.
Molecular consequence: missense variant. On other transcripts: non-coding transcript variant (1), intron variant (1).
Genome position (GRCh38, 1-based): chr17:39,726,873, A>G. VCF-style: chr17-39726873-A-G. GRCh37 (hg19) VCF-style: chr17-37883126-A-G.
Other names: c.2939A>G, p.Glu980Gly (NM_001005862.3, NM_001382782.1, NM_001382783.1); c.2984A>G, p.Glu995Gly (NM_001289936.2); c.3029A>G, p.Glu1010Gly (NM_001289937.2, NM_001382796.1); c.3146A>G, p.Glu1049Gly (NM_001382784.1); c.3131A>G, p.Glu1044Gly (NM_001382785.1); c.3110A>G, p.Glu1037Gly (NM_001382786.1); c.3104A>G, p.Glu1035Gly (NM_001382787.1); c.3059A>G, p.Glu1020Gly (NM_001382788.1); and 15 more; short protein forms E1007G, E1037G, E924G, E942G, E998G, E1010G, E1017G, E664G.
Identifiers: ClinVar variation 2970851 (VCV002970851.3), dbSNP rs1225458310, ClinGen allele CA399309198.

ClinVar aggregate classification (germline): Uncertain significance (1 of 4 stars; one submission).

Allele frequency attached by ClinVar (database versions not stated): TOPMed below 0.00001; gnomAD exomes 0.00001.

Submission:

Labcorp Genetics (formerly Invitae), Labcorp
Classification: Uncertain significance. Last evaluated: 2023-06-09. Review status: criteria provided, single submitter. Criteria: Invitae Variant Classification Sherloc (09022015). Collection method: clinical testing. Allele origin: germline.
Comment: Advanced modeling of protein sequence and biophysical properties (such as structural, functional, and spatial information, amino acid conservation, physicochemical variation, residue mobility, and thermodynamic stability) performed at Invitae indicates that this missense variant is not expected to disrupt ERBB2 protein function. This sequence change replaces glutamic acid, which is acidic and polar, with glycine, which is neutral and non-polar, at codon 1010 of the ERBB2 protein (p.Glu1010Gly). This variant is present in population databases (no rsID available, gnomAD 0.0009%). This variant has not been reported in the literature in individuals affected with ERBB2-related conditions. In summary, the available evidence is currently insufficient to determine the role of this variant in disease. Therefore, it has been classified as a Variant of Uncertain Significance.